The following is an entry in ClinVar:

NM_002907.4(RECQL):c.1783C>A (p.Gln595Lys)

Genes: PYROXD1 (pyridine nucleotide-disulphide oxidoreductase domain 1; plus strand), RECQL (RecQ like helicase; minus strand). Cytogenetic location: 12p12.1.
Variant type: single nucleotide variant.
Coding change: c.1783C>A on transcript NM_002907.4 (MANE Select); coding-DNA position 1783, C replaced by A.
Protein change: p.Gln595Lys; replaces glutamine 595 with lysine.
Molecular consequence: missense variant. On other transcripts: 3 prime UTR variant (3).
Genome position (GRCh38, 1-based): chr12:21,470,983, G>T on the plus strand (C>A on the coding strand, the complement: RECQL is on the minus strand). VCF-style: chr12-21470983-G-T. GRCh37 (hg19) VCF-style: chr12-21623917-G-T.
Other names: c.1783C>A, p.Gln595Lys (NM_032941.3); c.*2229G>T (NM_001350912.2, NM_001350913.2, NM_024854.5); short protein forms Q595K.
Identifiers: ClinVar variation 5028040 (VCV005028040.1).

ClinVar aggregate classification (germline): Uncertain significance (1 of 4 stars; one submission).

Submission:

Ambry Genetics
Classification: Uncertain significance. Last evaluated: 2026-06-24. Review status: criteria provided, single submitter. Criteria: Ambry Variant Classification Scheme 2023. Collection method: clinical testing. Allele origin: germline.
Comment: The p.Q595K variant (also known as c.1783C>A), located in coding exon 13 of the RECQL gene, results from a C to A substitution at nucleotide position 1783. The glutamine at codon 595 is replaced by lysine, an amino acid with similar properties. This amino acid position is conserved. In addition, this alteration is predicted to be tolerated by in silico analysis. Based on the available evidence, the clinical significance of this variant remains unclear.